The following is an entry in ClinVar:

ClinVar aggregate classification (germline): Uncertain significance (1 of 4 stars; one submission).

Allele frequency attached by ClinVar (database versions not stated): gnomAD exomes 0.00001; TOPMed 0.00001.

Submission:

Labcorp Genetics (formerly Invitae), Labcorp
Classification: Uncertain significance. Last evaluated: 2019-09-26. Review status: criteria provided, single submitter. Criteria: Invitae Variant Classification Sherloc (09022015). Collection method: clinical testing. Allele origin: germline.
Comment: In summary, the available evidence is currently insufficient to determine the role of this variant in disease. Therefore, it has been classified as a Variant of Uncertain Significance. Algorithms developed to predict the effect of missense changes on protein structure and function (SIFT, PolyPhen-2, Align-GVGD) all suggest that this variant is likely to be tolerated, but these predictions have not been confirmed by published functional studies and their clinical significance is uncertain. This variant has not been reported in the literature in individuals with NEXMIF-related conditions. This variant is not present in population databases (ExAC no frequency). This sequence change replaces proline with serine at codon 977 of the NEXMIF protein (p.Pro977Ser). The proline residue is highly conserved and there is a moderate physicochemical difference between proline and serine.

NM_001008537.3(NEXMIF):c.2929C>T (p.Pro977Ser)

Gene: NEXMIF (neurite extension and migration factor; minus strand). Cytogenetic location: Xq13.3.
Variant type: single nucleotide variant.
Coding change: c.2929C>T on transcript NM_001008537.3 (MANE Select); coding-DNA position 2929, C replaced by T.
Protein change: p.Pro977Ser; replaces proline 977 with serine.
Molecular consequence: missense variant.
Genome position (GRCh38, 1-based): chrX:74,741,628, G>A on the plus strand (C>T on the coding strand, the complement: NEXMIF is on the minus strand). VCF-style: chrX-74741628-G-A. GRCh37 (hg19) VCF-style: chrX-73961463-G-A.
Other names: short protein forms P977S.
Identifiers: ClinVar variation 955044 (VCV000955044.9), dbSNP rs2080104099, ClinGen allele CA413667107.
Genomic context (GRCh38, chrX:74,741,628, plus strand): 5'-CCATTGAATCAAAGCTAAAGAGCCGACCATCATCCATATTGACTGGCCCCTGCTGGAAAG[G>A]AAAGCAGATCTCTCCATTATTAAAGTGACATAATTGGTAAGAGTCATCAGATGGGAGTTG-3'
Protein context (NP_001008537.1, residues 967-987): CHFNNGEICF[Pro977Ser]FQQGPVNMDD